The following is an entry in ClinVar:

NM_000631.5(NCF4):c.735C>T (p.Tyr245=)

Gene: NCF4 (neutrophil cytosolic factor 4; plus strand). Cytogenetic location: 22q12.3.
Variant type: single nucleotide variant.
Coding change: c.735C>T on transcript NM_000631.5 (MANE Select); coding-DNA position 735, C replaced by T.
Protein change: p.Tyr245=; no amino-acid change (tyrosine 245 retained).
Molecular consequence: synonymous variant.
Genome position (GRCh38, 1-based): chr22:36,875,760, C>T. VCF-style: chr22-36875760-C-T. GRCh37 (hg19) VCF-style: chr22-37271802-C-T.
Other names: p.Tyr245=; c.735C>T, p.Tyr245= (NM_013416.4).
Identifiers: ClinVar variation 260307 (VCV000260307.21), dbSNP rs2072712, ClinGen allele CA10213147.

ClinVar aggregate classification (germline): Benign/Likely benign. Review status: criteria provided, multiple submitters, no conflicts (2 of 4 stars). 9 submissions from 9 submitters: Benign (8); Likely benign (1). Last evaluated 2026-02-04.

Conditions:
Granulomatous disease, chronic, autosomal recessive, cytochrome b-positive, type 3. Also called: GRANULOMATOUS DISEASE, CHRONIC, DUE TO NCF4 DEFICIENCY; Granulomatous disease, chronic, autosomal recessive, cytochrome b-positive, type III; GRANULOMATOUS DISEASE, CHRONIC, AUTOSOMAL RECESSIVE, 3; CGD, AUTOSOMAL RECESSIVE CYTOCHROME b-POSITIVE, TYPE III. Identifiers: Orphanet 379, MedGen C3151409, MONDO:0013507, OMIM 613960.

Allele frequency attached by ClinVar (database versions not stated): ESP Exome Variant Server 0.11702; gnomAD 0.11870 and 0.12064; TOPMed 0.12961; 1000 Genomes Project 0.13159; 1000 Genomes Project 30x 0.13554.

Submissions (9):

Labcorp Genetics (formerly Invitae), Labcorp
Classification: Benign for Granulomatous disease, chronic, autosomal recessive, cytochrome b-positive, type 3. Last evaluated: 2026-02-04. Review status: criteria provided, single submitter. Criteria: Invitae Variant Classification Sherloc (09022015). Collection method: clinical testing. Allele origin: germline.

Women's Health and Genetics/Laboratory Corporation of America, LabCorp
Classification: Benign. Last evaluated: 2026-01-21. Review status: criteria provided, single submitter. Criteria: LabCorp Variant Classification Summary - May 2015. Collection method: clinical testing. Allele origin: germline.

Blueprint Genetics
Classification: Likely benign. Last evaluated: 2024-11-28. Review status: criteria provided, single submitter. Criteria: ACMG Guidelines, 2015. Collection method: clinical testing. Allele origin: germline.

Unidad de Genómica Garrahan, Hospital de Pediatría Garrahan
Classification: Benign. Last evaluated: 2024-01-24. Review status: criteria provided, single submitter. Criteria: ACMG Guidelines, 2015. Collection method: clinical testing. Allele origin: germline. Affected: no. Observed: 20 variant alleles.
Comment: This variant is classified as Benign based on local population frequency. This variant was detected in 21% of patients studied by a panel of primary immunodeficiencies. Number of patients: 20. Only high quality variants are reported.

Mayo Clinic Laboratories, Mayo Clinic
Classification: Benign. Last evaluated: 2019-03-26. Review status: criteria provided, single submitter. Criteria: ACMG Guidelines, 2015. Collection method: clinical testing. Allele origin: germline. Observed: 56 variant alleles.

GeneDx
Classification: Benign. Last evaluated: 2018-10-16. Review status: criteria provided, single submitter. Criteria: GeneDx Variant Classification Process June 2021. Collection method: clinical testing. Allele origin: germline. Affected: yes.

Laboratory for Molecular Medicine, Mass General Brigham Personalized Medicine
Classification: Benign. Last evaluated: 2016-03-28. Review status: criteria provided, single submitter. Criteria: LMM Criteria. Collection method: clinical testing. Allele origin: germline.
Comment: Variant identified in a genome or exome case(s) and assessed due to predicted null impact of the variant or pathogenic assertions in the literature or databases. Disclaimer: This variant has not undergone full assessment. The following are preliminary notes: MAF

Breakthrough Genomics
Classification: Benign. Review status: criteria provided, single submitter. Criteria: ACMG Guidelines, 2015. Collection method: not provided. Allele origin: germline. Inheritance: Autosomal recessive inheritance. Affected: yes.

PreventionGenetics, part of Exact Sciences
Classification: Benign. Review status: criteria provided, single submitter. Criteria: ACMG Guidelines, 2015. Collection method: clinical testing. Allele origin: germline.